The following is an entry in ClinVar:

ClinVar aggregate classification (germline): Uncertain significance (1 of 4 stars; one submission).

gnomAD v4.1: 2 of 1,614,248 alleles (0.00012%); highest among the groups gnomAD compares: Non-Finnish European, 0.00017%; no homozygotes.

Submission:

Labcorp Genetics (formerly Invitae), Labcorp
Classification: Uncertain significance. Last evaluated: 2024-03-13. Review status: criteria provided, single submitter. Criteria: Invitae Variant Classification Sherloc (09022015). Collection method: clinical testing. Allele origin: germline.
Comment: This sequence change replaces isoleucine, which is neutral and non-polar, with valine, which is neutral and non-polar, at codon 790 of the NSD1 protein (p.Ile790Val). This variant is not present in population databases (gnomAD no frequency). This variant has not been reported in the literature in individuals affected with NSD1-related conditions. Advanced modeling of protein sequence and biophysical properties (such as structural, functional, and spatial information, amino acid conservation, physicochemical variation, residue mobility, and thermodynamic stability) performed at Invitae indicates that this missense variant is not expected to disrupt NSD1 protein function with a negative predictive value of 95%. In summary, the available evidence is currently insufficient to determine the role of this variant in disease. Therefore, it has been classified as a Variant of Uncertain Significance.

NM_022455.5(NSD1):c.2368A>G (p.Ile790Val)

Gene: NSD1 (nuclear receptor binding SET domain protein 1; plus strand). Cytogenetic location: 5q35.3.
Variant type: single nucleotide variant.
Coding change: c.2368A>G on transcript NM_022455.5 (MANE Select); coding-DNA position 2368, A replaced by G.
Protein change: p.Ile790Val; replaces isoleucine 790 with valine.
Molecular consequence: missense variant.
Genome position (GRCh38, 1-based): chr5:177,210,767, A>G. VCF-style: chr5-177210767-A-G. GRCh37 (hg19) VCF-style: chr5-176637768-A-G.
Other names: c.1495A>G, p.Ile499Val (NM_001365684.2, NM_001409306.1, NM_001409307.1 and 3 more transcripts); c.2368A>G, p.Ile790Val (NM_001409301.1, NM_001409302.1, NM_001409303.1); c.1948A>G, p.Ile650Val (NM_001409304.1); c.1615A>G, p.Ile539Val (NM_001409305.1); short protein forms I650V, I790V, I499V, I539V.
Identifiers: ClinVar variation 3686571 (VCV003686571.2).